The following is an entry in ClinVar:

ClinVar aggregate classification (germline): Uncertain significance (1 of 4 stars; one submission).

Conditions:
Ehlers-Danlos syndrome, type 4 (EDSVASC). Also called: Ehlers-Danlos syndrome vascular type; Ehlers Danlos syndrome, ecchymotic type; Ehlers Danlos syndrome, arterial type; Ehlers Danlos syndrome, Sack-Barabas type; Ehlers-Danlos Syndrome Type IV. Identifiers: Orphanet 286, MedGen C0268338, MONDO:0017314, OMIM 130050.

Allele frequency attached by ClinVar (database versions not stated): gnomAD 0.00001.
gnomAD v4.1: 1 of 1,613,832 alleles (0.000062%); highest among the groups gnomAD compares: East Asian, 0.0022%; no homozygotes.

Submission:

Labcorp Genetics (formerly Invitae), Labcorp
Classification: Uncertain significance for Ehlers-Danlos syndrome, type 4. Last evaluated: 2021-09-22. Review status: criteria provided, single submitter. Criteria: Invitae Variant Classification Sherloc (09022015). Collection method: clinical testing. Allele origin: germline.
Comment: In summary, the available evidence is currently insufficient to determine the role of this variant in disease. Therefore, it has been classified as a Variant of Uncertain Significance. This sequence change replaces phenylalanine with serine at codon 1465 of the COL3A1 protein (p.Phe1465Ser). The phenylalanine residue is highly conserved and there is a large physicochemical difference between phenylalanine and serine. This variant is not present in population databases (ExAC no frequency). This variant has not been reported in the literature in individuals affected with COL3A1-related conditions. Advanced modeling of protein sequence and biophysical properties (such as structural, functional, and spatial information, amino acid conservation, physicochemical variation, residue mobility, and thermodynamic stability) performed at Invitae indicates that this missense variant is expected to disrupt COL3A1 protein function.

NM_000090.4(COL3A1):c.4394T>C (p.Phe1465Ser)

Gene: COL3A1 (collagen type III alpha 1 chain; plus strand). Cytogenetic location: 2q32.2.
Variant type: single nucleotide variant.
Coding change: c.4394T>C on transcript NM_000090.4 (MANE Select); coding-DNA position 4394, T replaced by C.
Protein change: p.Phe1465Ser; replaces phenylalanine 1465 with serine.
Molecular consequence: missense variant.
Genome position (GRCh38, 1-based): chr2:189,011,767, T>C. VCF-style: chr2-189011767-T-C. GRCh37 (hg19) VCF-style: chr2-189876493-T-C.
Other names: short protein forms F1465S.
Identifiers: ClinVar variation 1445691 (VCV001445691.6), dbSNP rs1553510018, ClinGen allele CA349850495.